The following is an entry in ClinVar:

NM_003640.5(ELP1):c.1090C>T (p.Gln364Ter)

Gene: ELP1 (elongator acetyltransferase complex subunit 1; minus strand). Cytogenetic location: 9q31.3.
Variant type: single nucleotide variant.
Coding change: c.1090C>T on transcript NM_003640.5 (MANE Select); coding-DNA position 1090, C replaced by T.
Protein change: p.Gln364Ter; replaces glutamine 364 with a stop codon.
Molecular consequence: nonsense.
Genome position (GRCh38, 1-based): chr9:108,912,363, G>A on the plus strand (C>T on the coding strand, the complement: ELP1 is on the minus strand). VCF-style: chr9-108912363-G-A. GRCh37 (hg19) VCF-style: chr9-111674643-G-A.
Other names: c.748C>T, p.Gln250Ter (NM_001318360.2); c.43C>T, p.Gln15Ter (NM_001330749.2); short protein forms Q15*, Q250*, Q364*.
Identifiers: ClinVar variation 4815164 (VCV004815164.1).

ClinVar aggregate classification (germline): Likely pathogenic (1 of 4 stars; one submission).

Conditions:
Familial dysautonomia. Also called: HSAN III; FD. Identifiers: Orphanet 1764, MedGen C0013364, MONDO:0009131, OMIM 223900. Disease mechanism: loss of function.

gnomAD v4.1: 1 of 1,614,166 alleles (0.000062%); no homozygotes.

Submission:

Natera, Inc.
Classification: Likely pathogenic for Familial dysautonomia. Last evaluated: 2025-08-13. Review status: criteria provided, single submitter. Criteria: Natera Variant Classification Schema (03/2026). Collection method: clinical testing. Allele origin: germline.
Comment: The c.1090C>T variant in ELP1 is a nonsense variant predicted to introduce a stop codon at amino acid 364. This variant is expected to result in nonsense mediated decay, truncation, or a dysfunctional protein product. This variant is rare in the general population with a frequency below the threshold expected for the associated phenotype(s). Given the available evidence, this variant is classified as Likely Pathogenic.